The following is an entry in ClinVar:

ClinVar aggregate classification (germline): Uncertain significance. Review status: criteria provided, multiple submitters, no conflicts (2 of 4 stars). 4 submissions from 4 submitters: Uncertain significance (4). Last evaluated 2026-01-14.

Conditions:
Hereditary cancer-predisposing syndrome. Also called: Neoplastic Syndromes, Hereditary; Hereditary Cancer Syndrome; Tumor predisposition; Hereditary neoplastic syndrome. Identifiers: Orphanet 140162, MedGen C0027672, MeSH D009386, MONDO:0015356.
Familial cancer of breast. Also called: Hereditary breast cancer; BREAST CANCER, FAMILIAL; hereditary breast carcinoma. Identifiers: Orphanet 227535, MedGen C0346153, MONDO:0016419, OMIM 114480. Disease mechanism: loss of function.
Ataxia-telangiectasia syndrome (AT). Also called: LOUIS-BAR SYNDROME; Cerebello-oculocutaneous telangiectasia; Immunodeficiency with ataxia telangiectasia; Ataxia-telangiectasia, complementation group D; AT, COMPLEMENTATION GROUP C; Ataxia-telangiectasia, complementation group E. Identifiers: Orphanet 100, MedGen C0004135, MONDO:0008840, OMIM 208900.

Allele frequency attached by ClinVar (database versions not stated): gnomAD exomes 0.00001 and below 0.00001.
gnomAD v4.1: 4 of 1,614,096 alleles (0.00025%); highest among the groups gnomAD compares: Admixed American, 0.0033%; no homozygotes.

Submissions (4):

Labcorp Genetics (formerly Invitae), Labcorp
Classification: Uncertain significance for Ataxia-telangiectasia syndrome. Last evaluated: 2026-01-14. Review status: criteria provided, single submitter. Criteria: Invitae Variant Classification Sherloc (09022015). Collection method: clinical testing. Allele origin: germline.
Comment: This sequence change replaces serine, which is neutral and polar, with phenylalanine, which is neutral and non-polar, at codon 2495 of the ATM protein (p.Ser2495Phe). This variant is present in population databases (no rsID available, gnomAD 0.006%). This missense change has been observed in individual(s) with breast cancer (PMID: 34196900). ClinVar contains an entry for this variant (Variation ID: 481202). Invitae Evidence Modeling of protein sequence and biophysical properties (such as structural, functional, and spatial information, amino acid conservation, physicochemical variation, residue mobility, and thermodynamic stability) has been performed for this missense variant. However, the output from this modeling did not meet the statistical confidence thresholds required to predict the impact of this variant on ATM protein function. In summary, the available evidence is currently insufficient to determine the role of this variant in disease. Therefore, it has been classified as a Variant of Uncertain Significance.

Quest Diagnostics Nichols Institute San Juan Capistrano
Classification: Uncertain significance. Last evaluated: 2025-06-25. Review status: criteria provided, single submitter. Criteria: Quest Diagnostics criteria. Collection method: clinical testing. Allele origin: unknown.

Ambry Genetics
Classification: Uncertain significance for Hereditary cancer-predisposing syndrome. Last evaluated: 2025-05-05. Review status: criteria provided, single submitter. Criteria: Ambry Variant Classification Scheme 2023. Collection method: clinical testing. Allele origin: germline.
Comment: The p.S2495F variant (also known as c.7484C>T), located in coding exon 49 of the ATM gene, results from a C to T substitution at nucleotide position 7484. The serine at codon 2495 is replaced by phenylalanine, an amino acid with highly dissimilar properties. This amino acid position is not well conserved in available vertebrate species. In addition, the in silico prediction for this alteration is inconclusive. Based on the available evidence, the clinical significance of this variant remains unclear.

Baylor Genetics
Classification: Uncertain significance for Familial cancer of breast. Last evaluated: 2024-02-14. Review status: criteria provided, single submitter. Criteria: ACMG Guidelines, 2015. Collection method: clinical testing. Allele origin: unknown.

Literature cited by the submitters: PubMed 34196900 (cited by Labcorp Genetics (formerly Invitae), Labcorp).

NM_000051.4(ATM):c.7484C>T (p.Ser2495Phe)

Genes: ATM (ATM serine/threonine kinase; plus strand), C11orf65 (chromosome 11 open reading frame 65; minus strand). Cytogenetic location: 11q22.3.
Variant type: single nucleotide variant.
Coding change: c.7484C>T on transcript NM_000051.4 (MANE Select); coding-DNA position 7484, C replaced by T.
Protein change: p.Ser2495Phe; replaces serine 2495 with phenylalanine.
Molecular consequence: missense variant. On other transcripts: intron variant (2).
Genome position (GRCh38, 1-based): chr11:108,330,390, C>T. VCF-style: chr11-108330390-C-T. GRCh37 (hg19) VCF-style: chr11-108201117-C-T.
Other names: c.7484C>T, p.Ser2495Phe (NM_001351834.2); c.641-21319G>A (NM_001330368.2); c.*38+4830G>A (NM_001351110.2); short protein forms S2495F.
Identifiers: ClinVar variation 481202 (VCV000481202.18), dbSNP rs1449747119, ClinGen allele CA382560503.